The following is an entry in ClinVar:

NM_015135.3(NUP205):c.1905A>G (p.Gln635=)

Gene: NUP205 (nucleoporin 205; plus strand). Cytogenetic location: 7q33.
Variant type: single nucleotide variant.
Coding change: c.1905A>G on transcript NM_015135.3 (MANE Select); coding-DNA position 1905, A replaced by G.
Protein change: p.Gln635=; no amino-acid change (glutamine 635 retained).
Molecular consequence: synonymous variant.
Genome position (GRCh38, 1-based): chr7:135,594,621, A>G. VCF-style: chr7-135594621-A-G. GRCh37 (hg19) VCF-style: chr7-135279369-A-G.
Other names: c.831A>G, p.Gln277= (NM_001329434.2); c.1905A>G (NM_015135.2).
Identifiers: ClinVar variation 1636548 (VCV001636548.10), dbSNP rs145434488, ClinGen allele CA4498215.

ClinVar aggregate classification (germline): Likely benign. Review status: criteria provided, multiple submitters, no conflicts (2 of 4 stars). 3 submissions from 3 submitters: Likely benign (2). 1 of the submissions does not count toward it. Last evaluated 2025-06-12.

Conditions:
NUP205-related disorder. Also called: NUP205-related condition.

Allele frequency attached by ClinVar (database versions not stated): gnomAD exomes 0.00001 and 0.00005; ExAC 0.00007; gnomAD 0.00012; TOPMed 0.00012; ESP Exome Variant Server 0.00015; 1000 Genomes Project 0.00040; 1000 Genomes Project 30x 0.00047.
gnomAD v4.1: 38 of 1,613,694 alleles (0.0024%); highest among the groups gnomAD compares: African/African-American, 0.045%; no homozygotes.

Submissions (3):

Labcorp Genetics (formerly Invitae), Labcorp
Classification: Likely benign. Last evaluated: 2025-06-12. Review status: criteria provided, single submitter. Criteria: Invitae Variant Classification Sherloc (09022015). Collection method: clinical testing. Allele origin: germline.

Breakthrough Genomics
Classification: Likely benign. Review status: criteria provided, single submitter. Criteria: ACMG Guidelines, 2015. Collection method: not provided. Allele origin: germline. Inheritance: Autosomal recessive inheritance. Affected: yes.

PreventionGenetics, part of Exact Sciences
Classification: Likely benign for NUP205-related condition. Last evaluated: 2024-03-22. Review status: no assertion criteria provided. Collection method: clinical testing. Allele origin: germline. Not counted in ClinVar's aggregate classification.
Comment: This variant is classified as likely benign based on ACMG/AMP sequence variant interpretation guidelines (Richards et al. 2015 PMID: 25741868, with internal and published modifications).